The following is an entry in ClinVar:

NM_144631.6(ZNF513):c.908G>T (p.Gly303Val)

Gene: ZNF513 (zinc finger protein 513; minus strand). Cytogenetic location: 2p23.3.
Variant type: single nucleotide variant.
Coding change: c.908G>T on transcript NM_144631.6 (MANE Select); coding-DNA position 908, G replaced by T.
Protein change: p.Gly303Val; replaces glycine 303 with valine.
Molecular consequence: missense variant.
Genome position (GRCh38, 1-based): chr2:27,378,263, C>A on the plus strand (G>T on the coding strand, the complement: ZNF513 is on the minus strand). VCF-style: chr2-27378263-C-A. GRCh37 (hg19) VCF-style: chr2-27601130-C-A.
Other names: c.908G>T (NM_144631.5); c.722G>T, p.Gly241Val (NM_001201459.2); short protein forms G241V, G303V.
Identifiers: ClinVar variation 1025509 (VCV001025509.10), dbSNP rs138827186, ClinGen allele CA1577902.
Genomic context (GRCh38, chr2:27,378,263, plus strand): 5'-AGCTCTTGTCCACAGCCCCGGCAGGTCCAAGGGAATAGCAGCTCTGGCAGTGGTTCTGAT[C>A]CAGTCCCGCAGAGGCCCTCCCCTTCACCCCGCAGCTGCCCACAGTCTGGCAGGAAACTGG-3'
Protein context (NP_653232.3, residues 293-313): RGEGEGLCGT[Gly303Val]SEPLPELLFP

ClinVar aggregate classification (germline): Uncertain significance. Review status: criteria provided, multiple submitters, no conflicts (2 of 4 stars). 3 submissions from 3 submitters: Uncertain significance (3). Last evaluated 2025-01-27.

Allele frequency attached by ClinVar (database versions not stated): TOPMed 0.00002; ExAC 0.00003; gnomAD 0.00003; gnomAD exomes 0.00003; ESP Exome Variant Server 0.00008.
gnomAD v4.1: 45 of 1,601,568 alleles (0.0028%); highest among the groups gnomAD compares: Non-Finnish European, 0.0037%; no homozygotes.

Submissions (3):

Labcorp Genetics (formerly Invitae), Labcorp
Classification: Uncertain significance. Last evaluated: 2025-01-27. Review status: criteria provided, single submitter. Criteria: Invitae Variant Classification Sherloc (09022015). Collection method: clinical testing. Allele origin: germline.
Comment: This sequence change replaces glycine, which is neutral and non-polar, with valine, which is neutral and non-polar, at codon 303 of the ZNF513 protein (p.Gly303Val). This variant is present in population databases (rs138827186, gnomAD 0.007%). This variant has not been reported in the literature in individuals affected with ZNF513-related conditions. ClinVar contains an entry for this variant (Variation ID: 1025509). An algorithm developed to predict the effect of missense changes on protein structure and function (PolyPhen-2) suggests that this variant is likely to be tolerated. In summary, the available evidence is currently insufficient to determine the role of this variant in disease. Therefore, it has been classified as a Variant of Uncertain Significance.

Ambry Genetics
Classification: Uncertain significance. Last evaluated: 2025-01-10. Review status: criteria provided, single submitter. Criteria: Ambry Variant Classification Scheme 2023. Collection method: clinical testing. Allele origin: germline.

Blueprint Genetics
Classification: Uncertain significance. Last evaluated: 2024-03-15. Review status: criteria provided, single submitter. Criteria: ACMG Guidelines, 2015. Collection method: clinical testing. Allele origin: germline.